The following is an entry in ClinVar:

NM_001080467.3(MYO5B):c.3638A>G (p.Lys1213Arg)

Gene: MYO5B (myosin VB; minus strand). Cytogenetic location: 18q21.1.
Variant type: single nucleotide variant.
Coding change: c.3638A>G on transcript NM_001080467.3 (MANE Select); coding-DNA position 3638, A replaced by G.
Protein change: p.Lys1213Arg; replaces lysine 1213 with arginine.
Molecular consequence: missense variant.
Genome position (GRCh38, 1-based): chr18:49,864,346, T>C on the plus strand (A>G on the coding strand, the complement: MYO5B is on the minus strand). VCF-style: chr18-49864346-T-C. GRCh37 (hg19) VCF-style: chr18-47390716-T-C.
Other names: short protein forms K1213R.
Identifiers: ClinVar variation 1004962 (VCV001004962.6), dbSNP rs201651982, ClinGen allele CA8960635.

ClinVar aggregate classification (germline): Uncertain significance (1 of 4 stars; one submission).

Allele frequency attached by ClinVar (database versions not stated): TOPMed 0.00006.

Submission:

Labcorp Genetics (formerly Invitae), Labcorp
Classification: Uncertain significance. Last evaluated: 2021-08-28. Review status: criteria provided, single submitter. Criteria: Invitae Variant Classification Sherloc (09022015). Collection method: clinical testing. Allele origin: germline.
Comment: This sequence change replaces lysine with arginine at codon 1213 of the MYO5B protein (p.Lys1213Arg). The lysine residue is highly conserved and there is a small physicochemical difference between lysine and arginine. This variant is present in population databases (rs201651982, ExAC 0.03%). This variant has not been reported in the literature in individuals affected with MYO5B-related conditions. Algorithms developed to predict the effect of missense changes on protein structure and function are either unavailable or do not agree on the potential impact of this missense change (SIFT: "Deleterious"; PolyPhen-2: "Probably Damaging"; Align-GVGD: "Class C0"). In summary, the available evidence is currently insufficient to determine the role of this variant in disease. Therefore, it has been classified as a Variant of Uncertain Significance.